The following is an entry in ClinVar:

ClinVar aggregate classification (germline): Benign/Likely benign. Review status: criteria provided, multiple submitters, no conflicts (2 of 4 stars). 3 submissions from 3 submitters: Benign (1); Likely benign (1). 1 of the submissions does not count toward it. Last evaluated 2026-01-18.

Conditions:
SNX10-related disorder. Also called: SNX10-related condition.

Submissions (3):

Labcorp Genetics (formerly Invitae), Labcorp
Classification: Benign. Last evaluated: 2026-01-18. Review status: criteria provided, single submitter. Criteria: Invitae Variant Classification Sherloc (09022015). Collection method: clinical testing. Allele origin: germline.

Blueprint Genetics
Classification: Likely benign. Last evaluated: 2024-11-27. Review status: criteria provided, single submitter. Criteria: ACMG Guidelines, 2015. Collection method: clinical testing. Allele origin: germline.

PreventionGenetics, part of Exact Sciences
Classification: Benign for SNX10-related condition. Last evaluated: 2019-05-14. Review status: no assertion criteria provided. Collection method: clinical testing. Allele origin: germline. Not counted in ClinVar's aggregate classification.
Comment: This variant is classified as benign based on ACMG/AMP sequence variant interpretation guidelines (Richards et al. 2015 PMID: 25741868, with internal and published modifications).

NM_013322.3(SNX10):c.312-8dup

Gene: SNX10 (sorting nexin 10; plus strand). Cytogenetic location: 7p15.2.
Variant type: Duplication.
Coding change: c.312-8dup on transcript NM_013322.3 (MANE Select); 8 bases into the intron before coding-DNA position 312, one base duplicated (T; older notation c.312-8dupT).
Molecular consequence: intron variant.
Genome position (GRCh38, 1-based): chr7:26,371,813, T duplicated; the last of 10 consecutive T bases (chr7:26,371,804-26,371,813); duplicating any one gives the same sequence. VCF-style (leftmost placement, unchanged base first): chr7-26371803-C-CT. GRCh37 (hg19) VCF-style: chr7-26411423-C-CT.
Other names: c.312-8dupT (NM_001199835.1); c.390-8dup (NM_001362754.1, NM_001362753.1, NM_001318198.1); c.312-8dup (NM_001199835.1, NM_001318199.3); c.303-8dup (NM_001199837.3); c.60-8dup (NM_001199838.2).
Identifiers: ClinVar variation 1533579 (VCV001533579.11), dbSNP rs201825204, ClinGen allele CA4195244.
Genomic context (GRCh38, chr7:26,371,803, plus strand): 5'-TTCTAATGTTTTTCTTTCTTCTACCCTATCACTGACCATCCTGTTCACCAATTATTTTTC[C>CT]TTTTTTTTTTAATATAGAGTCCTACAGAATGCACTTTTGCTTTCAGATAGCAGCCTTCAC-3'